The following is an entry in ClinVar:

NM_177965.4(CFAP418):c.428A>G (p.Asp143Gly)

Gene: CFAP418 (cilia and flagella associated protein 418; minus strand). Cytogenetic location: 8q22.1.
Variant type: single nucleotide variant.
Coding change: c.428A>G on transcript NM_177965.4 (MANE Select); coding-DNA position 428, A replaced by G.
Protein change: p.Asp143Gly; replaces aspartic acid 143 with glycine.
Molecular consequence: missense variant. On other transcripts: intron variant (1).
Genome position (GRCh38, 1-based): chr8:95,252,230, T>C on the plus strand (A>G on the coding strand, the complement: CFAP418 is on the minus strand). VCF-style: chr8-95252230-T-C. GRCh37 (hg19) VCF-style: chr8-96264458-T-C.
Other names: c.375-4460A>G (NM_001363260.1); short protein forms D143G.
Identifiers: ClinVar variation 3353466 (VCV003353466.2).

ClinVar aggregate classification (germline): Uncertain significance. Review status: criteria provided, single submitter (1 of 4 stars). 2 submissions from 2 submitters: Uncertain significance (1). 1 of the submissions does not count toward it. Last evaluated 2020-04-29.

Conditions:
CFAP418-related disorder. Also called: CFAP418-related condition.

gnomAD v4.1: 5 of 1,613,770 alleles (0.00031%); highest among the groups gnomAD compares: African/African-American, 0.0067%; no homozygotes.

Submissions (2):

Blueprint Genetics
Classification: Uncertain significance. Last evaluated: 2020-04-29. Review status: criteria provided, single submitter. Criteria: ACMG Guidelines, 2015. Collection method: clinical testing. Allele origin: germline.

PreventionGenetics, part of Exact Sciences
Classification: Uncertain significance for CFAP418-related condition. Last evaluated: 2024-03-29. Review status: no assertion criteria provided. Collection method: clinical testing. Allele origin: germline. Not counted in ClinVar's aggregate classification.
Comment: The CFAP418 c.428A>G variant is predicted to result in the amino acid substitution p.Asp143Gly. To our knowledge, this variant has not been reported in the literature. This variant is reported in 0.018% of alleles in individuals of African descent in gnomAD. At this time, the clinical significance of this variant is uncertain due to the absence of conclusive functional and genetic evidence.